The following is an entry in ClinVar:

ClinVar aggregate classification (germline): Benign/Likely benign. Review status: criteria provided, multiple submitters, no conflicts (2 of 4 stars). 5 submissions from 5 submitters: Benign (3); Likely benign (2). Last evaluated 2026-09-01.

Conditions:
Renal tubular dysgenesis of genetic origin. Also called: PRIMITIVE RENAL TUBULE SYNDROME. Identifiers: Orphanet 97369, MedGen C5681536, MONDO:0009970, OMIM 267430.
Microvascular complications of diabetes, susceptibility to, 3. Identifiers: MedGen C2675470, MONDO:0012963, OMIM 612624.
Hemorrhage, intracerebral, susceptibility to (ICH). Also called: Stroke, hemorrhagic, susceptibility to. Identifiers: MedGen C3281105, MONDO:0100533, OMIM 614519.
Renal tubular dysgenesis. Also called: Renotubular dysgenesis. Identifiers: Orphanet 3033, MedGen C0266313, MONDO:0017609, HP:0008660.

Allele frequency attached by ClinVar (database versions not stated): 1000 Genomes Project 30x 0.00344; 1000 Genomes Project 0.00379; TOPMed 0.00539; ESP Exome Variant Server 0.00646; gnomAD 0.00718 and 0.00732; gnomAD exomes 0.00780 and 0.00876; ExAC 0.00784.

Submissions (5):

CeGaT Center for Human Genetics Tuebingen
Classification: Likely benign. Last evaluated: 2026-09-01. Review status: criteria provided, single submitter. Criteria: CeGaT Center For Human Genetics Tuebingen Variant Classification Criteria Version 2. Collection method: clinical testing. Allele origin: germline. Affected: yes. Observed: 7 variant alleles.
Comment: ACE: BS2

Labcorp Genetics (formerly Invitae), Labcorp
Classification: Benign. Last evaluated: 2026-01-28. Review status: criteria provided, single submitter. Criteria: Invitae Variant Classification Sherloc (09022015). Collection method: clinical testing. Allele origin: germline.

Fulgent Genetics
Classification: Likely benign for Renal tubular dysgenesis of genetic origin; Microvascular complications of diabetes, susceptibility to, 3; Hemorrhage, intracerebral, susceptibility to. Last evaluated: 2021-10-08. Review status: criteria provided, single submitter. Criteria: ACMG Guidelines, 2015. Collection method: clinical testing. Allele origin: unknown.

Illumina Laboratory Services, Illumina
Classification: Benign for Renal tubular dysgenesis of genetic origin. Last evaluated: 2018-01-12. Review status: criteria provided, single submitter. Criteria: ICSL Variant Classification Criteria 13 December 2019. Collection method: clinical testing. Allele origin: germline.
Comment: This variant was observed in the ICSL laboratory as part of a predisposition screen in an ostensibly healthy population. It had not been previously curated by ICSL or reported in the Human Gene Mutation Database (HGMD: prior to June 1st, 2018), and was therefore a candidate for classification through an automated scoring system. Utilizing variant allele frequency, disease prevalence and penetrance estimates, and inheritance mode, an automated score was calculated to assess if this variant is too frequent to cause the disease. Based on the score and internal cut-off values, a variant classified as benign is not then subjected to further curation. The score for this variant resulted in a classification of benign for this disease.

Breakthrough Genomics
Classification: Benign. Review status: criteria provided, single submitter. Criteria: ACMG Guidelines, 2015. Collection method: not provided. Allele origin: germline. Inheritance: Autosomal recessive inheritance. Affected: yes.

NM_000789.4(ACE):c.1060G>A (p.Gly354Arg)

Gene: ACE (angiotensin I converting enzyme; plus strand). Cytogenetic location: 17q23.3.
Variant type: single nucleotide variant.
Coding change: c.1060G>A on transcript NM_000789.4 (MANE Select); coding-DNA position 1060, G replaced by A.
Protein change: p.Gly354Arg; replaces glycine 354 with arginine.
Molecular consequence: missense variant.
Genome position (GRCh38, 1-based): chr17:63,481,680, G>A. VCF-style: chr17-63481680-G-A. GRCh37 (hg19) VCF-style: chr17-61559041-G-A.
Other names: short protein forms G354R.
Identifiers: ClinVar variation 324374 (VCV000324374.40), dbSNP rs56394458, ClinGen allele CA8699370.
Genomic context (GRCh38, chr17:63,481,680, plus strand): 5'-GAGCTCTCCCCCATGCCTCCCGAGTTCTGGGAAGGGTCGATGCTGGAGAAGCCGGCCGAC[G>A]GGCGGGAAGTGGTGTGCCACGCCTCGGCTTGGGACTTCTACAACAGGAAAGACTTCAGGT-3'
Protein context (NP_000780.1, residues 344-364): EGSMLEKPAD[Gly354Arg]REVVCHASAW